The following is an entry in ClinVar:

ClinVar aggregate classification (germline): Uncertain significance. Review status: criteria provided, multiple submitters, no conflicts (2 of 4 stars). 3 submissions from 3 submitters: Uncertain significance (3). Last evaluated 2025-03-17.

Conditions:
Inborn genetic diseases. Identifiers: MedGen C0950123, MeSH D030342.

Allele frequency attached by ClinVar (database versions not stated): gnomAD exomes 0.00003 and 0.00004; ExAC 0.00005; TOPMed 0.00008; gnomAD 0.00009; ESP Exome Variant Server 0.00015.
gnomAD v4.1: 71 of 1,600,646 alleles (0.0044%); highest among the groups gnomAD compares: Middle Eastern, 0.033%; 1 homozygote.

Submissions (3):

Labcorp Genetics (formerly Invitae), Labcorp
Classification: Uncertain significance. Last evaluated: 2025-03-17. Review status: criteria provided, single submitter. Criteria: Invitae Variant Classification Sherloc (09022015). Collection method: clinical testing. Allele origin: germline.
Comment: This sequence change replaces glutamic acid, which is acidic and polar, with lysine, which is basic and polar, at codon 128 of the TULP1 protein (p.Glu128Lys). The frequency data for this variant in the population databases is considered unreliable, as metrics indicate poor data quality at this position in the gnomAD database. This variant has not been reported in the literature in individuals affected with TULP1-related conditions. ClinVar contains an entry for this variant (Variation ID: 1514928). Invitae Evidence Modeling of protein sequence and biophysical properties (such as structural, functional, and spatial information, amino acid conservation, physicochemical variation, residue mobility, and thermodynamic stability) has been performed for this missense variant. However, the output from this modeling did not meet the statistical confidence thresholds required to predict the impact of this variant on TULP1 protein function. In summary, the available evidence is currently insufficient to determine the role of this variant in disease. Therefore, it has been classified as a Variant of Uncertain Significance.

Ambry Genetics
Classification: Uncertain significance for Inborn genetic diseases. Last evaluated: 2024-12-09. Review status: criteria provided, single submitter. Criteria: Ambry Variant Classification Scheme 2023. Collection method: clinical testing. Allele origin: germline.

Blueprint Genetics
Classification: Uncertain significance. Last evaluated: 2024-08-12. Review status: criteria provided, single submitter. Criteria: ACMG Guidelines, 2015. Collection method: clinical testing. Allele origin: germline.

NM_003322.6(TULP1):c.382G>A (p.Glu128Lys)

Gene: TULP1 (TUB like protein 1; minus strand). Cytogenetic location: 6p21.31.
Variant type: single nucleotide variant.
Coding change: c.382G>A on transcript NM_003322.6 (MANE Select); coding-DNA position 382, G replaced by A.
Protein change: p.Glu128Lys; replaces glutamic acid 128 with lysine.
Molecular consequence: missense variant.
Genome position (GRCh38, 1-based): chr6:35,510,978, C>T on the plus strand (G>A on the coding strand, the complement: TULP1 is on the minus strand). VCF-style: chr6-35510978-C-T. GRCh37 (hg19) VCF-style: chr6-35478755-C-T.
Other names: c.223G>A, p.Glu75Lys (NM_001289395.2); c.382G>A (NM_003322.3); short protein forms E128K, E75K.
Identifiers: ClinVar variation 1514928 (VCV001514928.6), dbSNP rs201182765, ClinGen allele CA3772931.